The following is an entry in ClinVar:

ClinVar aggregate classification (germline): Pathogenic. Review status: criteria provided, multiple submitters, no conflicts (2 of 4 stars). 4 submissions from 4 submitters: Pathogenic (3). 1 of the submissions does not count toward it. Last evaluated 2020-01-24.

Conditions:
Menkes kinky-hair syndrome (MNK). Also called: Menkes Disease; Copper transport disease; Classic Menkes Disease. Identifiers: Orphanet 565, MedGen C0022716, MONDO:0010651, OMIM 309400.
Cutis laxa, X-linked (OHS). Also called: EDS IX; Occipital horn syndrome. Identifiers: Orphanet 198, MedGen C0268353, MONDO:0010572, OMIM 304150.

Submissions (4):

Baylor Genetics
Classification: Pathogenic for Cutis laxa, X-linked. Last evaluated: 2020-01-24. Review status: criteria provided, single submitter. Criteria: ACMG Guidelines, 2015. Collection method: clinical testing. Allele origin: unknown. Affected: yes.
Comment: This variant was determined to be pathogenic according to ACMG Guidelines, 2015 [PMID:25741868].

Undiagnosed Diseases Network, NIH
Classification: Pathogenic for Menkes kinky-hair syndrome. Last evaluated: 2019-09-22. Review status: criteria provided, single submitter. Criteria: ACMG Guidelines, 2015. Collection method: clinical testing. Allele origin: maternal. Inheritance: X-linked inheritance. Affected: yes. Observed: 1 variant allele, 1 hemizygote.

Genetic Services Laboratory, University of Chicago
Classification: Pathogenic for Menkes disease. Last evaluated: 2013-02-08. Review status: criteria provided, single submitter. Criteria: ACMG Guidelines, 2007. Collection method: clinical testing. Allele origin: germline. Affected: yes.

Inherited Neuropathy Consortium Ii, University Of Miami
Classification: Uncertain significance for Menkes kinky-hair syndrome. Last evaluated: 2016-01-06. Review status: no assertion criteria provided. Collection method: literature only. Allele origin: germline. Affected: yes. Not counted in ClinVar's aggregate classification.

Literature cited by the submitters: PubMed 24919650 (cited by Inherited Neuropathy Consortium Ii, University Of Miami).

NM_000052.7(ATP7A):c.1996G>C (p.Gly666Arg)

Gene: ATP7A (ATPase copper transporting alpha; plus strand). Cytogenetic location: Xq21.1.
Variant type: single nucleotide variant.
Coding change: c.1996G>C on transcript NM_000052.7 (MANE Select); coding-DNA position 1996, G replaced by C.
Protein change: p.Gly666Arg; replaces glycine 666 with arginine.
Molecular consequence: missense variant.
Genome position (GRCh38, 1-based): chrX:78,011,498, G>C. VCF-style: chrX-78011498-G-C. GRCh37 (hg19) VCF-style: chrX-77266995-G-C.
Other names: c.1996G>C, p.Gly666Arg (NM_001282224.2); c.1996G>C (NM_000052.6); short protein forms G666R.
Identifiers: ClinVar variation 210411 (VCV000210411.11), dbSNP rs797045344, ClinGen allele CA277408.